The following is an entry in ClinVar:

NM_001199397.3(NEK1):c.1787A>G (p.Asn596Ser)

Gene: NEK1 (NIMA related kinase 1; minus strand). Cytogenetic location: 4q33.
Variant type: single nucleotide variant.
Coding change: c.1787A>G on transcript NM_001199397.3 (MANE Select); coding-DNA position 1787, A replaced by G.
Protein change: p.Asn596Ser; replaces asparagine 596 with serine.
Molecular consequence: missense variant. On other transcripts: non-coding transcript variant (1).
Genome position (GRCh38, 1-based): chr4:169,508,294, T>C on the plus strand (A>G on the coding strand, the complement: NEK1 is on the minus strand). VCF-style: chr4-169508294-T-C. GRCh37 (hg19) VCF-style: chr4-170429445-T-C.
Other names: c.1655A>G, p.Asn552Ser (NM_001199398.3); c.1496A>G, p.Asn499Ser (NM_001199399.3); c.1571A>G, p.Asn524Ser (NM_001199400.3); c.1787A>G, p.Asn596Ser (NM_001374418.1); c.1703A>G, p.Asn568Ser (NM_001374419.1, NM_012224.4); c.1652A>G, p.Asn551Ser (NM_001374420.1); c.1577A>G, p.Asn526Ser (NM_001374421.1); short protein forms N499S, N524S, N568S, N526S, N551S, N552S, N596S.
Identifiers: ClinVar variation 2907078 (VCV002907078.3), dbSNP rs2546553546, ClinGen allele CA358731737.

ClinVar aggregate classification (germline): Uncertain significance (1 of 4 stars; one submission).

Conditions:
Short-rib thoracic dysplasia 6 with or without polydactyly (SRTD6). Also called: POLYDACTYLY WITH NEONATAL CHONDRODYSTROPHY, TYPE II; SHORT RIB-POLYDACTYLY SYNDROME, TYPE IIA; Majewski Syndrome; SHORT-RIB THORACIC DYSPLASIA 6 WITH POLYDACTYLY; SHORT-RIB THORACIC DYSPLASIA 6 WITHOUT POLYDACTYLY. Identifiers: MedGen C0024507, MONDO:0009894, OMIM 263520.

Allele frequency attached by ClinVar (database versions not stated): gnomAD exomes below 0.00001.
gnomAD v4.1: 2 of 1,592,478 alleles (0.00013%); highest among the groups gnomAD compares: Non-Finnish European, 0.000085%; no homozygotes.

Submission:

Labcorp Genetics (formerly Invitae), Labcorp
Classification: Uncertain significance for Short-rib thoracic dysplasia 6 with or without polydactyly. Last evaluated: 2023-08-03. Review status: criteria provided, single submitter. Criteria: Invitae Variant Classification Sherloc (09022015). Collection method: clinical testing. Allele origin: germline.
Comment: In summary, the available evidence is currently insufficient to determine the role of this variant in disease. Therefore, it has been classified as a Variant of Uncertain Significance. This sequence change replaces asparagine, which is neutral and polar, with serine, which is neutral and polar, at codon 568 of the NEK1 protein (p.Asn568Ser). This variant is not present in population databases (gnomAD no frequency). This variant has not been reported in the literature in individuals affected with NEK1-related conditions. Advanced modeling of protein sequence and biophysical properties (such as structural, functional, and spatial information, amino acid conservation, physicochemical variation, residue mobility, and thermodynamic stability) performed at Invitae indicates that this missense variant is expected to disrupt NEK1 protein function.